The following is an entry in ClinVar:

ClinVar aggregate classification (germline): Pathogenic (1 of 4 stars; one submission).

Submission:

Labcorp Genetics (formerly Invitae), Labcorp
Classification: Pathogenic. Last evaluated: 2024-02-06. Review status: criteria provided, single submitter. Criteria: Invitae Variant Classification Sherloc (09022015). Collection method: clinical testing. Allele origin: germline.
Comment: This sequence change creates a premature translational stop signal (p.Gln68Argfs*20) in the MYO15A gene. It is expected to result in an absent or disrupted protein product. Loss-of-function variants in MYO15A are known to be pathogenic (PMID: 17546645). This variant is not present in population databases (gnomAD no frequency). This variant has not been reported in the literature in individuals affected with MYO15A-related conditions. For these reasons, this variant has been classified as Pathogenic.

Literature cited by the submitters: PubMed 17546645.

NM_016239.4(MYO15A):c.202del (p.Gln68fs)

Gene: MYO15A (myosin XVA; plus strand). Cytogenetic location: 17p11.2.
Variant type: Deletion.
Coding change: c.202del on transcript NM_016239.4 (MANE Select); coding-DNA position 202, one base deleted (C; older notation c.202delC).
Protein change: p.Gln68fs; shifts the reading frame from glutamine 68.
Molecular consequence: frameshift variant.
Genome position (GRCh38, 1-based): chr17:18,119,002, C deleted; the last of 5 consecutive C bases (chr17:18,118,998-18,119,002); deleting any one gives the same sequence. VCF-style (leftmost placement, unchanged base first): chr17-18118997-GC-G. GRCh37 (hg19) VCF-style: chr17-18022311-GC-G.
Other names: short protein forms Q68fs.
Identifiers: ClinVar variation 3639300 (VCV003639300.2).